The following is an entry in ClinVar:

NM_017612.5(ZCCHC8):c.263C>G (p.Thr88Ser)

Gene: ZCCHC8 (zinc finger CCHC-type containing 8; minus strand). Cytogenetic location: 12q24.31.
Variant type: single nucleotide variant.
Coding change: c.263C>G on transcript NM_017612.5 (MANE Select); coding-DNA position 263, C replaced by G.
Protein change: p.Thr88Ser; replaces threonine 88 with serine.
Molecular consequence: missense variant. On other transcripts: 5 prime UTR variant (3).
Genome position (GRCh38, 1-based): chr12:122,492,769, G>C on the plus strand (C>G on the coding strand, the complement: ZCCHC8 is on the minus strand). VCF-style: chr12-122492769-G-C. GRCh37 (hg19) VCF-style: chr12-122977316-G-C.
Other names: c.263C>G, p.Thr88Ser (NM_001350935.2); c.-35C>G (NM_001350936.2); c.-282C>G (NM_001350937.2); c.-176C>G (NM_001350938.2); short protein forms T88S.
Identifiers: ClinVar variation 1357673 (VCV001357673.8), dbSNP rs1366100893, ClinGen allele CA482210055.

ClinVar aggregate classification (germline): Uncertain significance (1 of 4 stars; one submission).

gnomAD v4.1: 1 of 1,546,736 alleles (0.000065%); highest among the groups gnomAD compares: Non-Finnish European, 0.000088%; no homozygotes.

Submission:

Labcorp Genetics (formerly Invitae), Labcorp
Classification: Uncertain significance. Last evaluated: 2025-04-08. Review status: criteria provided, single submitter. Criteria: Invitae Variant Classification Sherloc (09022015). Collection method: clinical testing. Allele origin: germline.
Comment: This sequence change replaces threonine, which is neutral and polar, with serine, which is neutral and polar, at codon 88 of the ZCCHC8 protein (p.Thr88Ser). This variant is not present in population databases (gnomAD no frequency). This variant has not been reported in the literature in individuals affected with ZCCHC8-related conditions. ClinVar contains an entry for this variant (Variation ID: 1357673). Invitae Evidence Modeling of protein sequence and biophysical properties (such as structural, functional, and spatial information, amino acid conservation, physicochemical variation, residue mobility, and thermodynamic stability) indicates that this missense variant is not expected to disrupt ZCCHC8 protein function with a negative predictive value of 80%. In summary, the available evidence is currently insufficient to determine the role of this variant in disease. Therefore, it has been classified as a Variant of Uncertain Significance.